The following is an entry in ClinVar:

NM_001037.5(SCN1B):c.560C>A (p.Ala187Asp)

Gene: SCN1B (sodium voltage-gated channel beta subunit 1; plus strand). Cytogenetic location: 19q13.11.
Variant type: single nucleotide variant.
Coding change: c.560C>A on transcript NM_001037.5 (MANE Select); coding-DNA position 560, C replaced by A.
Protein change: p.Ala187Asp; replaces alanine 187 with aspartic acid.
Molecular consequence: missense variant.
Genome position (GRCh38, 1-based): chr19:35,039,228, C>A. VCF-style: chr19-35039228-C-A. GRCh37 (hg19) VCF-style: chr19-35530132-C-A.
Other names: c.461C>A, p.Ala154Asp (NM_001321605.2); short protein forms A154D, A187D.
Identifiers: ClinVar variation 1410718 (VCV001410718.13), dbSNP rs749338180, ClinGen allele CA9372096.

ClinVar aggregate classification (germline): Uncertain significance. Review status: criteria provided, multiple submitters, no conflicts (2 of 4 stars). 5 submissions from 5 submitters: Uncertain significance (5). Last evaluated 2025-10-07.

Conditions:
Brugada syndrome 5 (BRGDA5). Identifiers: Orphanet 130, Orphanet 871, MedGen C2748541, MONDO:0013015, OMIM 612838.
Atrial fibrillation, familial, 13 (ATFB13). Identifiers: MedGen C3809311, MONDO:0014155, OMIM 615377.
Developmental and epileptic encephalopathy, 52 (DEE52). Also called: Epileptic encephalopathy, early infantile, 52. Identifiers: MedGen C4479236, MONDO:0033361, OMIM 617350.
Generalized epilepsy with febrile seizures plus, type 1 (GEFSP1). Also called: GEFS+, TYPE 1. Identifiers: Orphanet 36387, MedGen C1858672, MONDO:0011416, OMIM 604233.
Cardiovascular phenotype. Identifiers: MedGen CN230736.

Allele frequency attached by ClinVar (database versions not stated): gnomAD 0.00001; ExAC 0.00002; gnomAD exomes 0.00002; TOPMed 0.00002.
gnomAD v4.1: 42 of 1,613,856 alleles (0.0026%); highest among the groups gnomAD compares: African/African-American, 0.0053%; no homozygotes.

Submissions (5):

Labcorp Genetics (formerly Invitae), Labcorp
Classification: Uncertain significance for Brugada syndrome 5. Last evaluated: 2025-10-07. Review status: criteria provided, single submitter. Criteria: Invitae Variant Classification Sherloc (09022015). Collection method: clinical testing. Allele origin: germline.
Comment: The SCN1B gene has multiple clinically relevant transcripts. This variant occurs in alternate transcript NM_001037.5, and corresponds to NM_199037.3:c.*5130C>A in the primary transcript. This sequence change replaces alanine, which is neutral and non-polar, with aspartic acid, which is acidic and polar, at codon 187 of the SCN1B protein (p.Ala187Asp). This variant is present in population databases (rs749338180, gnomAD 0.004%). This variant has not been reported in the literature in individuals affected with SCN1B-related conditions. Experimental studies and prediction algorithms are not available or were not evaluated, and the functional significance of this variant is currently unknown. In summary, the available evidence is currently insufficient to determine the role of this variant in disease. Therefore, it has been classified as a Variant of Uncertain Significance.

GeneDx
Classification: Uncertain significance. Last evaluated: 2024-08-23. Review status: criteria provided, single submitter. Criteria: GeneDx Variant Classification Process June 2021. Collection method: clinical testing. Allele origin: germline. Affected: yes.
Comment: Not observed at significant frequency in large population cohorts (gnomAD); In silico analysis indicates that this missense variant does not alter protein structure/function; Has not been previously published as pathogenic or benign to our knowledge

Ambry Genetics
Classification: Uncertain significance for Cardiovascular phenotype. Last evaluated: 2022-01-07. Review status: criteria provided, single submitter. Criteria: Ambry Variant Classification Scheme 2023. Collection method: clinical testing. Allele origin: germline.
Comment: The p.A187D variant (also known as c.560C>A), located in coding exon 4 of the SCN1B gene, results from a C to A substitution at nucleotide position 560. The alanine at codon 187 is replaced by aspartic acid, an amino acid with dissimilar properties. This amino acid position is highly conserved in available vertebrate species. In addition, the in silico prediction for this alteration is inconclusive. Since supporting evidence is limited at this time, the clinical significance of this alteration remains unclear.

AiLife Diagnostics
Classification: Uncertain significance. Last evaluated: 2021-12-26. Review status: criteria provided, single submitter. Criteria: ACMG Guidelines, 2015. Collection method: clinical testing. Allele origin: germline. Affected: yes. Observed: 1 variant allele.

Fulgent Genetics
Classification: Uncertain significance for Generalized epilepsy with febrile seizures plus, type 1; Brugada syndrome 5; Atrial fibrillation, familial, 13; Developmental and epileptic encephalopathy, 52. Last evaluated: 2021-08-17. Review status: criteria provided, single submitter. Criteria: ACMG Guidelines, 2015. Collection method: clinical testing. Allele origin: unknown.